The following is an entry in ClinVar:

NM_145290.4(ADGRA3):c.1300C>A (p.Leu434Ile)

Gene: ADGRA3 (adhesion G protein-coupled receptor A3; minus strand). Cytogenetic location: 4p15.2.
Variant type: single nucleotide variant.
Coding change: c.1300C>A on transcript NM_145290.4 (MANE Select); coding-DNA position 1300, C replaced by A.
Protein change: p.Leu434Ile; replaces leucine 434 with isoleucine.
Molecular consequence: missense variant.
Genome position (GRCh38, 1-based): chr4:22,435,454, G>T on the plus strand (C>A on the coding strand, the complement: ADGRA3 is on the minus strand). VCF-style: chr4-22435454-G-T. GRCh37 (hg19) VCF-style: chr4-22437077-G-T.
Other names: short protein forms L434I.
Identifiers: ClinVar variation 1428013 (VCV001428013.8), dbSNP rs185049428, ClinGen allele CA356481977.

ClinVar aggregate classification (germline): Uncertain significance (1 of 4 stars; one submission).

gnomAD v4.1: 2 of 1,592,878 alleles (0.00013%); highest among the groups gnomAD compares: Non-Finnish European, 0.000086%; no homozygotes.

Submission:

Labcorp Genetics (formerly Invitae), Labcorp
Classification: Uncertain significance. Last evaluated: 2021-05-17. Review status: criteria provided, single submitter. Criteria: Invitae Variant Classification Sherloc (09022015). Collection method: clinical testing. Allele origin: germline.
Comment: This variant is not present in population databases (ExAC no frequency). In summary, the available evidence is currently insufficient to determine the role of this variant in disease. Therefore, it has been classified as a Variant of Uncertain Significance. Algorithms developed to predict the effect of missense changes on protein structure and function output the following: SIFT: "Tolerated"; PolyPhen-2: "Benign"; Align-GVGD: "Class C0". The isoleucine amino acid residue is found in multiple mammalian species, suggesting that this missense change does not adversely affect protein function. These predictions have not been confirmed by published functional studies and their clinical significance is uncertain. This variant has not been reported in the literature in individuals with ADGRA3-related conditions. This sequence change replaces leucine with isoleucine at codon 434 of the ADGRA3 protein (p.Leu434Ile). The leucine residue is highly conserved and there is a small physicochemical difference between leucine and isoleucine.